The following is an entry in ClinVar:

ClinVar aggregate classification (germline): Uncertain significance (1 of 4 stars; one submission).

Conditions:
Autosomal dominant nocturnal frontal lobe epilepsy 5. Also called: KCNT1-Related Epilepsy; CILIARY DYSKINESIA, PRIMARY, 28, WITHOUT SITUS INVERSUS; CILIARY DYSKINESIA, PRIMARY, 28, WITH SITUS INVERSUS; Epilepsy, nocturnal frontal lobe, 5. Identifiers: Orphanet 98784, MedGen C3554306, MONDO:0014002, OMIM 615005.
Developmental and epileptic encephalopathy, 14 (DEE14). Also called: Early infantile epileptic encephalopathy 14. Identifiers: Orphanet 293181, MedGen C3554195, MONDO:0013989, OMIM 614959.

Submission:

Labcorp Genetics (formerly Invitae), Labcorp
Classification: Uncertain significance for Autosomal dominant nocturnal frontal lobe epilepsy 5; Developmental and epileptic encephalopathy, 14. Last evaluated: 2024-06-02. Review status: criteria provided, single submitter. Criteria: Invitae Variant Classification Sherloc (09022015). Collection method: clinical testing. Allele origin: germline.
Comment: This sequence change replaces leucine, which is neutral and non-polar, with proline, which is neutral and non-polar, at codon 1104 of the KCNT1 protein (p.Leu1104Pro). This variant is not present in population databases (gnomAD no frequency). This variant has not been reported in the literature in individuals affected with KCNT1-related conditions. Advanced modeling of protein sequence and biophysical properties (such as structural, functional, and spatial information, amino acid conservation, physicochemical variation, residue mobility, and thermodynamic stability) performed at Invitae indicates that this missense variant is not expected to disrupt KCNT1 protein function with a negative predictive value of 80%. In summary, the available evidence is currently insufficient to determine the role of this variant in disease. Therefore, it has been classified as a Variant of Uncertain Significance.

NM_020822.3(KCNT1):c.3311T>C (p.Leu1104Pro)

Gene: KCNT1 (potassium sodium-activated channel subfamily T member 1; plus strand). Cytogenetic location: 9q34.3.
Variant type: single nucleotide variant.
Coding change: c.3311T>C on transcript NM_020822.3 (MANE Select); coding-DNA position 3311, T replaced by C.
Protein change: p.Leu1104Pro; replaces leucine 1104 with proline.
Molecular consequence: missense variant.
Genome position (GRCh38, 1-based): chr9:135,786,330, T>C. VCF-style: chr9-135786330-T-C. GRCh37 (hg19) VCF-style: chr9-138678176-T-C.
Other names: c.3176T>C, p.Leu1059Pro (NM_001272003.2); short protein forms L1059P, L1104P.
Identifiers: ClinVar variation 3754620 (VCV003754620.2).